The following is an entry in ClinVar:

NM_001429.4(EP300):c.4344C>A (p.Phe1448Leu)

Gene: EP300 (E1A binding protein p300; plus strand). Cytogenetic location: 22q13.2.
Variant type: single nucleotide variant.
Coding change: c.4344C>A on transcript NM_001429.4 (MANE Select); coding-DNA position 4344, C replaced by A.
Protein change: p.Phe1448Leu; replaces phenylalanine 1448 with leucine.
Molecular consequence: missense variant.
Genome position (GRCh38, 1-based): chr22:41,170,463, C>A. VCF-style: chr22-41170463-C-A. GRCh37 (hg19) VCF-style: chr22-41566467-C-A.
Other names: c.4266C>A, p.Phe1422Leu (NM_001362843.2); short protein forms F1422L, F1448L.
Identifiers: ClinVar variation 3353903 (VCV003353903.1).

ClinVar aggregate classification (germline): Uncertain significance (0 of 4 stars; one submission).

Conditions:
EP300-related disorder. Also called: EP300-related disorders; EP300-related condition.

gnomAD v4.1: 11 of 1,613,960 alleles (0.00068%); highest among the groups gnomAD compares: African/African-American, 0.0013%; no homozygotes.

Submission:

PreventionGenetics, part of Exact Sciences
Classification: Uncertain significance for EP300-related condition. Last evaluated: 2024-09-16. Review status: no assertion criteria provided. Collection method: clinical testing. Allele origin: germline.
Comment: The EP300 c.4344C>A variant is predicted to result in the amino acid substitution p.Phe1448Leu. To our knowledge, this variant has not been reported in the literature. This variant is reported in 0.0065% of alleles in individuals of European (Non-Finnish) descent in gnomAD. At this time, the clinical significance of this variant is uncertain due to the absence of conclusive functional and genetic evidence.